The following is an entry in ClinVar:

ClinVar aggregate classification (germline): Uncertain significance (1 of 4 stars; one submission).

Conditions:
Charcot-Marie-Tooth disease axonal type 2O. Also called: Charcot-Marie-Tooth Neuropathy Type 2O; CHARCOT-MARIE-TOOTH NEUROPATHY, AXONAL, TYPE 2O; CHARCOT-MARIE-TOOTH DISEASE, AXONAL, AUTOSOMAL DOMINANT, TYPE 2O; Charcot-Marie-Tooth disease, axonal, type 20. Identifiers: Orphanet 284232, MedGen C3280220, MONDO:0013644, OMIM 614228.

Submission:

Labcorp Genetics (formerly Invitae), Labcorp
Classification: Uncertain significance for Charcot-Marie-Tooth disease axonal type 2O. Last evaluated: 2019-10-02. Review status: criteria provided, single submitter. Criteria: Invitae Variant Classification Sherloc (09022015). Collection method: clinical testing. Allele origin: germline.
Comment: This sequence change replaces leucine with valine at codon 1587 of the DYNC1H1 protein (p.Leu1587Val). The leucine residue is moderately conserved and there is a small physicochemical difference between leucine and valine. This variant is not present in population databases (ExAC no frequency). This variant has not been reported in the literature in individuals with DYNC1H1-related conditions. Algorithms developed to predict the effect of missense changes on protein structure and function are either unavailable or do not agree on the potential impact of this missense change (SIFT: "Tolerated"; PolyPhen-2: "Possibly Damaging"; Align-GVGD: "Class C0"). In summary, the available evidence is currently insufficient to determine the role of this variant in disease. Therefore, it has been classified as a Variant of Uncertain Significance.

NM_001376.5(DYNC1H1):c.4759C>G (p.Leu1587Val)

Gene: DYNC1H1 (dynein cytoplasmic 1 heavy chain 1; plus strand). Cytogenetic location: 14q32.31.
Variant type: single nucleotide variant.
Coding change: c.4759C>G on transcript NM_001376.5 (MANE Select); coding-DNA position 4759, C replaced by G.
Protein change: p.Leu1587Val; replaces leucine 1587 with valine.
Molecular consequence: missense variant.
Genome position (GRCh38, 1-based): chr14:102,002,841, C>G. VCF-style: chr14-102002841-C-G. GRCh37 (hg19) VCF-style: chr14-102469178-C-G.
Other names: short protein forms L1587V.
Identifiers: ClinVar variation 960549 (VCV000960549.9), dbSNP rs866469461, ClinGen allele CA391043459.
Genomic context (GRCh38, chr14:102,002,841, plus strand): 5'-TTCATTTGTAGCATCAGCACTGAGTTTTTGGCTCTAATGAAAAAAGTGTCCAAGTCTCCC[C>G]TTGTTATGGATGTTCTGAACATCCAGGGAGTACAGAGGTCTCTGGAAAGATTGGCAGACC-3'
Protein context (NP_001367.2, residues 1577-1597): ALMKKVSKSP[Leu1587Val]VMDVLNIQGV